The following is an entry in ClinVar:

NM_015338.6(ASXL1):c.1086G>T (p.Lys362Asn)

Gene: ASXL1 (ASXL transcriptional regulator 1; plus strand). Cytogenetic location: 20q11.21.
Variant type: single nucleotide variant.
Coding change: c.1086G>T on transcript NM_015338.6 (MANE Select); coding-DNA position 1086, G replaced by T.
Protein change: p.Lys362Asn; replaces lysine 362 with asparagine.
Molecular consequence: missense variant.
Genome position (GRCh38, 1-based): chr20:32,433,284, G>T. VCF-style: chr20-32433284-G-T. GRCh37 (hg19) VCF-style: chr20-31021087-G-T.
Other names: c.903G>T, p.Lys301Asn (NM_001363734.1); short protein forms K301N, K362N.
Identifiers: ClinVar variation 1718027 (VCV001718027.5), dbSNP rs2123251630, ClinGen allele CA408555715.
Genomic context (GRCh38, chr20:32,433,284, plus strand): 5'-TAGAAATAAGAGACATGTCCACTCTGGCCTGAAACTGATGGCTGTGATTTTGATTTGCAG[G>T]CTGGGTTTGACCAAAGAAGAGTCATTGCAGCAGAACGTGGGCCAGGAGGAGGCTGAAATC-3'
Protein context (NP_056153.2, residues 352-372): EKFFEDYYGQ[Lys362Asn]LGLTKEESLQ

ClinVar aggregate classification (germline): Uncertain significance (1 of 4 stars; one submission).

Submission:

Labcorp Genetics (formerly Invitae), Labcorp
Classification: Uncertain significance. Last evaluated: 2022-07-17. Review status: criteria provided, single submitter. Criteria: Invitae Variant Classification Sherloc (09022015). Collection method: clinical testing. Allele origin: germline.
Comment: This sequence change replaces lysine, which is basic and polar, with asparagine, which is neutral and polar, at codon 362 of the ASXL1 protein (p.Lys362Asn). This variant is not present in population databases (gnomAD no frequency). This variant has not been reported in the literature in individuals affected with ASXL1-related conditions. Algorithms developed to predict the effect of missense changes on protein structure and function (SIFT, PolyPhen-2, Align-GVGD) all suggest that this variant is likely to be disruptive. In summary, the available evidence is currently insufficient to determine the role of this variant in disease. Therefore, it has been classified as a Variant of Uncertain Significance.